The following is an entry in ClinVar:

NM_001379200.1(TBX1):c.986G>C (p.Arg329Pro)

Gene: TBX1 (T-box transcription factor 1; plus strand). Cytogenetic location: 22q11.21.
Variant type: single nucleotide variant.
Coding change: c.986G>C on transcript NM_001379200.1 (MANE Select); coding-DNA position 986, G replaced by C.
Protein change: p.Arg329Pro; replaces arginine 329 with proline.
Molecular consequence: missense variant.
Genome position (GRCh38, 1-based): chr22:19,765,952, G>C. VCF-style: chr22-19765952-G-C. GRCh37 (hg19) VCF-style: chr22-19753475-G-C.
Other names: c.959G>C, p.Arg320Pro (NM_005992.1, NM_080646.2, NM_080647.1); short protein forms R320P, R329P.
Identifiers: ClinVar variation 1357881 (VCV001357881.6), dbSNP rs1271930172, ClinGen allele CA410683840.

ClinVar aggregate classification (germline): Uncertain significance (1 of 4 stars; one submission).

Conditions:
DiGeorge syndrome. Also called: THIRD AND FOURTH PHARYNGEAL POUCH SYNDROME; Catch22. Identifiers: Orphanet 567, MedGen C0012236, MONDO:0008564, OMIM 188400.

Allele frequency attached by ClinVar (database versions not stated): gnomAD exomes 0.00001.
gnomAD v4.1: 4 of 1,521,666 alleles (0.00026%); highest among the groups gnomAD compares: South Asian, 0.0012%; no homozygotes.

Submission:

Labcorp Genetics (formerly Invitae), Labcorp
Classification: Uncertain significance for DiGeorge syndrome. Last evaluated: 2024-10-16. Review status: criteria provided, single submitter. Criteria: Invitae Variant Classification Sherloc (09022015). Collection method: clinical testing. Allele origin: germline.
Comment: This sequence change replaces arginine, which is basic and polar, with proline, which is neutral and non-polar, at codon 320 of the TBX1 protein (p.Arg320Pro). This variant is present in population databases (no rsID available, gnomAD 0.005%). This variant has not been reported in the literature in individuals affected with TBX1-related conditions. ClinVar contains an entry for this variant (Variation ID: 1357881). Invitae Evidence Modeling of protein sequence and biophysical properties (such as structural, functional, and spatial information, amino acid conservation, physicochemical variation, residue mobility, and thermodynamic stability) indicates that this missense variant is not expected to disrupt TBX1 protein function with a negative predictive value of 80%. In summary, the available evidence is currently insufficient to determine the role of this variant in disease. Therefore, it has been classified as a Variant of Uncertain Significance.